The following is an entry in ClinVar:

NM_206933.4(USH2A):c.5329del (p.Arg1777fs)

Genes: USH2A (usherin; minus strand), USH2A-AS2 (USH2A antisense RNA 2; plus strand). Cytogenetic location: 1q41.
Variant type: Deletion.
Coding change: c.5329del on transcript NM_206933.4 (MANE Select); coding-DNA position 5329, one base deleted (C; older notation c.5329delC).
Protein change: p.Arg1777fs; shifts the reading frame from arginine 1777.
Molecular consequence: frameshift variant.
Genome position (GRCh38, 1-based): chr1:216,078,332, G deleted on the plus strand (C on the coding strand, the reverse complement: USH2A is on the minus strand); the first of 2 consecutive G bases (chr1:216,078,332-216,078,333); deleting either gives the same sequence. VCF-style (leftmost placement, unchanged base first): chr1-216078331-CG-C. GRCh37 (hg19) VCF-style: chr1-216251673-CG-C.
Other names: short protein forms R1777fs.
Identifiers: ClinVar variation 4817130 (VCV004817130.1).

ClinVar aggregate classification (germline): Likely pathogenic (1 of 4 stars; one submission).

Conditions:
Usher syndrome type 2A. Also called: RETINAL DISEASE IN USHER SYNDROME TYPE IIA, MODIFIER OF; USHER SYNDROME, TYPE IIA. Identifiers: Orphanet 231178, Orphanet 886, MedGen C1848634, MONDO:0010169, OMIM 276901.

Submission:

Natera, Inc.
Classification: Likely pathogenic for Usher syndrome type 2A. Last evaluated: 2024-12-02. Review status: criteria provided, single submitter. Criteria: Natera Variant Classification Schema (03/2026). Collection method: clinical testing. Allele origin: germline.
Comment: The c.5329del variant in USH2A is a frameshift variant predicted to shift the reading frame beginning at codon 1777 and leads to a stop codon 2 codons downstream. This variant is expected to result in nonsense mediated decay, truncation, or a dysfunctional protein product. This variant is rare in the general population with a frequency below the threshold expected for the associated phenotype(s). Given the available evidence, this variant is classified as Likely Pathogenic.